The following is an entry in ClinVar:

ClinVar aggregate classification (germline): Uncertain significance (1 of 4 stars; one submission).

Conditions:
Cystic fibrosis (CF). Also called: MUCOVISCIDOSIS. Identifiers: Orphanet 586, MedGen C0010674, MONDO:0009061, OMIM 219700. Disease mechanism: loss of function.

Submission:

Ambry Genetics
Classification: Uncertain significance for Cystic fibrosis. Last evaluated: 2025-09-30. Review status: criteria provided, single submitter. Criteria: Ambry Variant Classification Scheme 2023. Collection method: clinical testing. Allele origin: germline.
Comment: The p.D993A variant (also known as c.2978A>C), located in coding exon 18 of the CFTR gene, results from an A to C substitution at nucleotide position 2978. The aspartic acid at codon 993 is replaced by alanine, an amino acid with dissimilar properties. In an assay testing CFTR function, this variant showed a functionally abnormal (Bihler H et al. J Cyst Fibros, 2024 Jul;23:664-675). This amino acid position is highly conserved in available vertebrate species. In addition, this alteration is predicted to be deleterious by in silico analysis. Based on the available evidence, the clinical significance of this variant remains unclear.

Literature cited by the submitters: PubMed 38388235.

NM_000492.4(CFTR):c.2978A>C (p.Asp993Ala)

Genes: CFTR (CF transmembrane conductance regulator; plus strand), CFTR-AS2 (CFTR antisense RNA 2; minus strand). Cytogenetic location: 7q31.2.
Variant type: single nucleotide variant.
Coding change: c.2978A>C on transcript NM_000492.4 (MANE Select); coding-DNA position 2978, A replaced by C.
Protein change: p.Asp993Ala; replaces aspartic acid 993 with alanine.
Molecular consequence: missense variant.
Genome position (GRCh38, 1-based): chr7:117,606,743, A>C. VCF-style: chr7-117606743-A-C. GRCh37 (hg19) VCF-style: chr7-117246797-A-C.
Other names: short protein forms D993A.
Identifiers: ClinVar variation 4646935 (VCV004646935.1).